The following is an entry in ClinVar:

NM_005732.4(RAD50):c.2239A>G (p.Ile747Val)

Gene: RAD50 (RAD50 double strand break repair protein; plus strand). Cytogenetic location: 5q31.1.
Variant type: single nucleotide variant.
Coding change: c.2239A>G on transcript NM_005732.4 (MANE Select); coding-DNA position 2239, A replaced by G.
Protein change: p.Ile747Val; replaces isoleucine 747 with valine.
Molecular consequence: missense variant.
Genome position (GRCh38, 1-based): chr5:132,603,331, A>G. VCF-style: chr5-132603331-A-G. GRCh37 (hg19) VCF-style: chr5-131939023-A-G.
Other names: short protein forms I747V.
Identifiers: ClinVar variation 4862832 (VCV004862832.1).

ClinVar aggregate classification (germline): Uncertain significance (1 of 4 stars; one submission).

Conditions:
Hereditary cancer-predisposing syndrome. Also called: Neoplastic Syndromes, Hereditary; Tumor predisposition; Hereditary Cancer Syndrome; Hereditary neoplastic syndrome. Identifiers: Orphanet 140162, MedGen C0027672, MeSH D009386, MONDO:0015356.

gnomAD v4.1: 1 of 1,613,452 alleles (0.000062%); highest among the groups gnomAD compares: Non-Finnish European, 0.000085%; no homozygotes.

Submission:

Ambry Genetics
Classification: Uncertain significance for Hereditary cancer-predisposing syndrome. Last evaluated: 2026-03-30. Review status: criteria provided, single submitter. Criteria: Ambry Variant Classification Scheme 2023. Collection method: clinical testing. Allele origin: germline.
Comment: The p.I747V variant (also known as c.2239A>G), located in coding exon 14 of the RAD50 gene, results from an A to G substitution at nucleotide position 2239. The isoleucine at codon 747 is replaced by valine, an amino acid with highly similar properties. This amino acid position is conserved. In addition, this alteration is predicted to be tolerated by in silico analysis. Based on the available evidence, the clinical significance of this variant remains unclear.